The following is an entry in ClinVar:

NM_002439.5(MSH3):c.1570A>T (p.Asn524Tyr)

Gene: MSH3 (mutS homolog 3; plus strand). Cytogenetic location: 5q14.1.
Variant type: single nucleotide variant.
Coding change: c.1570A>T on transcript NM_002439.5 (MANE Select); coding-DNA position 1570, A replaced by T.
Protein change: p.Asn524Tyr; replaces asparagine 524 with tyrosine.
Molecular consequence: missense variant.
Genome position (GRCh38, 1-based): chr5:80,741,465, A>T. VCF-style: chr5-80741465-A-T. GRCh37 (hg19) VCF-style: chr5-80037284-A-T.
Other names: short protein forms N524Y.
Identifiers: ClinVar variation 1057656 (VCV001057656.9), dbSNP rs2112866728, ClinGen allele CA360274412.

ClinVar aggregate classification (germline): Uncertain significance (1 of 4 stars; one submission).

Submission:

Labcorp Genetics (formerly Invitae), Labcorp
Classification: Uncertain significance. Last evaluated: 2018-04-10. Review status: criteria provided, single submitter. Criteria: Invitae Variant Classification Sherloc (09022015). Collection method: clinical testing. Allele origin: germline.
Comment: This sequence change replaces asparagine with tyrosine at codon 524 of the MSH3 protein (p.Asn524Tyr). The asparagine residue is moderately conserved and there is a large physicochemical difference between asparagine and tyrosine. This variant is not present in population databases (ExAC no frequency). This variant has not been reported in the literature in individuals with MSH3-related disease. Algorithms developed to predict the effect of missense changes on protein structure and function do not agree on the potential impact of this missense change (SIFT: "Tolerated"; PolyPhen-2: "Possibly Damaging"; Align-GVGD: "Class C0"). Algorithms developed to predict the effect of sequence changes on RNA splicing suggest that this variant may create or strengthen a splice site, but this prediction has not been confirmed by published transcriptional studies. In summary, the available evidence is currently insufficient to determine the role of this variant in disease. Therefore, it has been classified as a Variant of Uncertain Significance.